The following is an entry in ClinVar:

ClinVar aggregate classification (germline): Uncertain significance. Review status: criteria provided, multiple submitters, no conflicts (2 of 4 stars). 3 submissions from 3 submitters: Uncertain significance (3). Last evaluated 2025-04-30.

Conditions:
Cardiovascular phenotype. Identifiers: MedGen CN230736.
Arrhythmogenic right ventricular dysplasia 12. Also called: ARRHYTHMOGENIC RIGHT VENTRICULAR DYSPLASIA, FAMILIAL, 12. Identifiers: MedGen C1969081, MONDO:0012684, OMIM 611528.
Naxos disease (NXD). Also called: MAL DE NAXOS; PALMOPLANTAR KERATODERMA WITH ARRHYTHMOGENIC RIGHT VENTRICULAR CARDIOMYOPATHY AND WOOLLY HAIR; WOOLLY HAIR, PALMOPLANTAR KERATODERMA, AND CARDIAC ABNORMALITIES; KERATOSIS PALMOPLANTARIS WITH ARRHYTHMOGENIC CARDIOMYOPATHY; CARDIOMYOPATHY, ARRHYTHMOGENIC RIGHT VENTRICULAR, WITH SKIN, HAIR, AND NAIL ABNORMALITIES. Identifiers: Orphanet 34217, MedGen C1832600, MONDO:0011017, OMIM 601214.

Allele frequency attached by ClinVar (database versions not stated): gnomAD exomes below 0.00001; gnomAD 0.00001; TOPMed 0.00001.

Submissions (3):

Ambry Genetics
Classification: Uncertain significance for Cardiovascular phenotype. Last evaluated: 2025-04-30. Review status: criteria provided, single submitter. Criteria: Ambry Variant Classification Scheme 2023. Collection method: clinical testing. Allele origin: germline.

Labcorp Genetics (formerly Invitae), Labcorp
Classification: Uncertain significance for Arrhythmogenic right ventricular dysplasia 12; Naxos disease. Last evaluated: 2024-04-25. Review status: criteria provided, single submitter. Criteria: Invitae Variant Classification Sherloc (09022015). Collection method: clinical testing. Allele origin: germline.
Comment: This sequence change replaces leucine, which is neutral and non-polar, with valine, which is neutral and non-polar, at codon 357 of the JUP protein (p.Leu357Val). This variant is not present in population databases (gnomAD no frequency). This variant has not been reported in the literature in individuals affected with JUP-related conditions. ClinVar contains an entry for this variant (Variation ID: 853091). An algorithm developed to predict the effect of missense changes on protein structure and function (PolyPhen-2) suggests that this variant is likely to be disruptive. In summary, the available evidence is currently insufficient to determine the role of this variant in disease. Therefore, it has been classified as a Variant of Uncertain Significance.

GeneDx
Classification: Uncertain significance. Last evaluated: 2023-01-09. Review status: criteria provided, single submitter. Criteria: GeneDx Variant Classification Process June 2021. Collection method: clinical testing. Allele origin: germline. Affected: yes.
Comment: Not observed at significant frequency in large population cohorts (gnomAD); In silico analysis supports that this missense variant has a deleterious effect on protein structure/function; Has not been previously published as pathogenic or benign to our knowledge

NM_002230.4(JUP):c.1069C>G (p.Leu357Val)

Gene: JUP (junction plakoglobin; minus strand). Cytogenetic location: 17q21.2.
Variant type: single nucleotide variant.
Coding change: c.1069C>G on transcript NM_002230.4 (MANE Select); coding-DNA position 1069, C replaced by G.
Protein change: p.Leu357Val; replaces leucine 357 with valine.
Molecular consequence: missense variant.
Genome position (GRCh38, 1-based): chr17:41,764,802, G>C on the plus strand (C>G on the coding strand, the complement: JUP is on the minus strand). VCF-style: chr17-41764802-G-C. GRCh37 (hg19) VCF-style: chr17-39921054-G-C.
Other names: c.1069C>G, p.Leu357Val (NM_001352773.2, NM_001352774.2, NM_001352775.2 and 3 more transcripts); short protein forms L357V.
Identifiers: ClinVar variation 853091 (VCV000853091.11), dbSNP rs1455055075, ClinGen allele CA399499090.